The following is an entry in ClinVar:

NC_000022.11:g.40345972A>G

Gene: ADSL (adenylosuccinate lyase; plus strand). Cytogenetic location: 22q13.1.
Variant type: single nucleotide variant.
Genome position: GRCh38 VCF-style: chr22-40345972-A-G. GRCh37 (hg19) VCF-style: chr22-40741976-A-G.
Identifiers: ClinVar variation 1399851 (VCV001399851.3), dbSNP rs898010972, ClinGen allele CA324446463.

ClinVar aggregate classification (germline): Uncertain significance (1 of 4 stars; one submission).

Conditions:
Adenylosuccinate lyase deficiency (ADSLD). Also called: ADSL DEFICIENCY. Identifiers: Orphanet 46, MedGen C0268126, MONDO:0007068, OMIM 103050.

Allele frequency attached by ClinVar (database versions not stated): gnomAD 0.00003 and 0.00004; TOPMed 0.00003.

Submission:

Labcorp Genetics (formerly Invitae), Labcorp
Classification: Uncertain significance for Adenylosuccinate lyase deficiency. Last evaluated: 2022-09-23. Review status: criteria provided, single submitter. Criteria: Invitae Variant Classification Sherloc (09022015). Collection method: clinical testing. Allele origin: germline.
Comment: This variant occurs in a non-coding region of the ADSL gene. It does not change the encoded amino acid sequence of the ADSL protein. This variant is present in population databases (no rsID available, gnomAD 0.02%). This variant has not been reported in the literature in individuals affected with ADSL-related conditions. Experimental studies and prediction algorithms are not available or were not evaluated, and the functional significance of this variant is currently unknown. In summary, the available evidence is currently insufficient to determine the role of this variant in disease. Therefore, it has been classified as a Variant of Uncertain Significance.